The following is an entry in ClinVar:

ClinVar aggregate classification (germline): Uncertain significance (1 of 4 stars; one submission).

Conditions:
Inborn genetic diseases. Identifiers: MedGen C0950123, MeSH D030342.

Submission:

Ambry Genetics
Classification: Uncertain significance for Inborn genetic diseases. Last evaluated: 2026-07-04. Review status: criteria provided, single submitter. Criteria: Ambry Variant Classification Scheme 2023. Collection method: clinical testing. Allele origin: germline.
Comment: The p.L6V variant (also known as c.16C>G), located in coding exon 1 of the RTEL1 gene, results from a C to G substitution at nucleotide position 16. The leucine at codon 6 is replaced by valine, an amino acid with highly similar properties. This amino acid position is conserved. In addition, this alteration is predicted to be tolerated by in silico analysis. Based on the available evidence, the clinical significance of this variant remains unclear.

NM_001283009.2(RTEL1):c.16C>G (p.Leu6Val)

Genes: RTEL1 (regulator of telomere elongation helicase 1; plus strand), RTEL1-TNFRSF6B (RTEL1-TNFRSF6B readthrough (NMD candidate); plus strand). Cytogenetic location: 20q13.33.
Variant type: single nucleotide variant.
Coding change: c.16C>G on transcript NM_001283009.2 (MANE Select); coding-DNA position 16, C replaced by G.
Protein change: p.Leu6Val; replaces leucine 6 with valine.
Molecular consequence: missense variant. On other transcripts: intron variant (1), non-coding transcript variant (1).
Genome position (GRCh38, 1-based): chr20:63,659,418, C>G. VCF-style: chr20-63659418-C-G. GRCh37 (hg19) VCF-style: chr20-62290771-C-G.
Other names: c.16C>G, p.Leu6Val (NM_016434.4, NM_032957.5); c.-568+959C>G (NM_001283010.1); short protein forms L6V.
Identifiers: ClinVar variation 5028473 (VCV005028473.1).